The following is an entry in ClinVar:

ClinVar aggregate classification (germline): Uncertain significance (1 of 4 stars; one submission).

gnomAD v4.1: 1 of 1,613,920 alleles (0.000062%); highest among the groups gnomAD compares: African/African-American, 0.0013%; no homozygotes.

Submission:

GeneDx
Classification: Uncertain significance. Last evaluated: 2024-03-07. Review status: criteria provided, single submitter. Criteria: GeneDx Variant Classification Process June 2021. Collection method: clinical testing. Allele origin: germline. Affected: yes.
Comment: Not observed at significant frequency in large population cohorts (gnomAD); In silico analysis supports that this variant does not alter splicing; Has not been previously published as pathogenic or benign to our knowledge

NM_001039213.4(CEACAM16):c.840C>T (p.Ile280=)

Genes: CEACAM16 (CEA cell adhesion molecule 16, tectorial membrane component; plus strand), CEACAM16-AS1 (CEACAM16, CEACAM19 and PVR antisense RNA 1; minus strand). Cytogenetic location: 19q13.32.
Variant type: single nucleotide variant.
Coding change: c.840C>T on transcript NM_001039213.4 (MANE Select); coding-DNA position 840, C replaced by T.
Protein change: p.Ile280=; no amino-acid change (isoleucine 280 retained).
Molecular consequence: synonymous variant.
Genome position (GRCh38, 1-based): chr19:44,705,768, C>T. VCF-style: chr19-44705768-C-T. GRCh37 (hg19) VCF-style: chr19-45209038-C-T.
Identifiers: ClinVar variation 3369919 (VCV003369919.1).